The following is an entry in ClinVar:

NM_198150.3(ARSK):c.982A>G (p.Ser328Gly)

Genes: ARSK (arylsulfatase family member K; plus strand), LOC126807455 (P300/CBP strongly-dependent group 1 enhancer GRCh37_chr5:94926949-94928148; plus strand). Cytogenetic location: 5q15.
Variant type: single nucleotide variant.
Coding change: c.982A>G on transcript NM_198150.3 (MANE Select); coding-DNA position 982, A replaced by G.
Protein change: p.Ser328Gly; replaces serine 328 with glycine.
Molecular consequence: missense variant.
Genome position (GRCh38, 1-based): chr5:95,591,511, A>G. VCF-style: chr5-95591511-A-G. GRCh37 (hg19) VCF-style: chr5-94927215-A-G.
Other names: short protein forms S328G.
Identifiers: ClinVar variation 3045720 (VCV003045720.3), dbSNP rs143306500, ClinGen allele CA3348018.
Genomic context (GRCh38, chr5:95,591,511, plus strand): 5'-GTCATATACTCCTCAGACCATGGAGAGCTGGCCATGGAACATCGACAGTTTTATAAAATG[A>G]GCATGTACGAGGCTAGTGCACATGTTCCGCTTTTGATGATGGGACCAGGAATTAAAGCCG-3'
Protein context (NP_937793.1, residues 318-338): AMEHRQFYKM[Ser328Gly]MYEASAHVPL

ClinVar aggregate classification (germline): Uncertain significance. Review status: criteria provided, single submitter (1 of 4 stars). 2 submissions from 2 submitters: Uncertain significance (1). 1 of the submissions does not count toward it. Last evaluated 2026-05-12.

Conditions:
ARSK-related disorder. Also called: ARSK-related condition.

Allele frequency attached by ClinVar (database versions not stated): 1000 Genomes Project 0.00040; gnomAD 0.00060; ExAC 0.00067; TOPMed 0.00067; gnomAD exomes 0.00082; ESP Exome Variant Server 0.00100; 1000 Genomes Project 30x 0.00031.
gnomAD v4.1: 1,295 of 1,614,172 alleles (0.08%); highest among the groups gnomAD compares: Non-Finnish European, 0.094%; 3 homozygotes.

Submissions (2):

Women's Health and Genetics/Laboratory Corporation of America, LabCorp
Classification: Uncertain significance. Last evaluated: 2026-05-12. Review status: criteria provided, single submitter. Criteria: LabCorp Variant Classification Summary - May 2015. Collection method: clinical testing. Allele origin: germline.

PreventionGenetics, part of Exact Sciences
Classification: Likely benign for ARSK-related condition. Last evaluated: 2023-05-15. Review status: no assertion criteria provided. Collection method: clinical testing. Allele origin: germline. Not counted in ClinVar's aggregate classification.
Comment: This variant is classified as likely benign based on ACMG/AMP sequence variant interpretation guidelines (Richards et al. 2015 PMID: 25741868, with internal and published modifications).